The following is an entry in ClinVar:

ClinVar aggregate classification (germline): Uncertain significance (1 of 4 stars; one submission).

Submission:

Women's Health and Genetics/Laboratory Corporation of America, LabCorp
Classification: Uncertain significance. Last evaluated: 2024-03-15. Review status: criteria provided, single submitter. Criteria: LabCorp Variant Classification Summary - May 2015. Collection method: clinical testing. Allele origin: germline.
Comment: Variant summary: The variant involves the duplication of exons 7-17 in the ASL gene. A presumed nomenclature of c.(446+1_447-1)_(*665_?)dup has been designated for the purposes of this classification. The exact breakpoint at the 3' end of this variant is unknown, therefore this duplication may extend downstream of the annotated region of the gene. As it duplicates the termination codon, its effect on the encoded protein is unknown. The variant was absent in 21694 control chromosomes (gnomAD Structual Variants Dataset). The available data on variant occurrences in the general population are insufficient to allow any conclusion about variant significance. To our knowledge, no occurrence of c.(446+1_447-1)_(*665_?)dup in individuals affected with Argininosuccinic Aciduria and no experimental evidence demonstrating its impact on protein function have been reported. ClinVar contains an entry for this variant (Variation ID: 2422200). Based on the evidence outlined above, the variant was classified as uncertain significance.

NC_000007.13:g.(65548162_65551571)_(65558564_?)dup

Gene: ASL (argininosuccinate lyase; plus strand). Cytogenetic location: 7q11.21.
Variant type: Duplication.
Identifiers: ClinVar variation 3233927 (VCV003233927.2).